The following is an entry in ClinVar:

ClinVar aggregate classification (germline): Uncertain significance (1 of 4 stars; one submission).

Conditions:
Hereditary spastic paraplegia 11. Also called: SPASTIC PARAPLEGIA, AUTOSOMAL RECESSIVE, COMPLICATED, WITH THIN CORPUS CALLOSUM; SPASTIC PARAPLEGIA, AUTOSOMAL RECESSIVE, WITH MENTAL IMPAIRMENT AND THIN CORPUS CALLOSUM; Spastic Paraplegia 11; Nakamura Osame syndrome; Autosomal recessive hereditary spastic paraplegia, mental impairment, and thin corpus callosum; Spastic paraplegia, mental retardation and thin corpus callosum. Identifiers: Orphanet 2822, MedGen C1858479, MONDO:0011445, OMIM 604360.

Allele frequency attached by ClinVar (database versions not stated): gnomAD exomes below 0.00001.

Submission:

Labcorp Genetics (formerly Invitae), Labcorp
Classification: Uncertain significance for Hereditary spastic paraplegia 11. Last evaluated: 2019-07-29. Review status: criteria provided, single submitter. Criteria: Invitae Variant Classification Sherloc (09022015). Collection method: clinical testing. Allele origin: germline.
Comment: In summary, the available evidence is currently insufficient to determine the role of this variant in disease. Therefore, it has been classified as a Variant of Uncertain Significance. Algorithms developed to predict the effect of missense changes on protein structure and function (SIFT, PolyPhen-2, Align-GVGD) all suggest that this variant is likely to be disruptive, but these predictions have not been confirmed by published functional studies and their clinical significance is uncertain. This variant has not been reported in the literature in individuals with SPG11-related conditions. This variant is not present in population databases (ExAC no frequency). This sequence change replaces isoleucine with threonine at codon 2120 of the SPG11 protein (p.Ile2120Thr). The isoleucine residue is highly conserved and there is a moderate physicochemical difference between isoleucine and threonine.

NM_025137.4(SPG11):c.6359T>C (p.Ile2120Thr)

Gene: SPG11 (SPG11 vesicle trafficking associated, spatacsin; minus strand). Cytogenetic location: 15q21.1.
Variant type: single nucleotide variant.
Coding change: c.6359T>C on transcript NM_025137.4 (MANE Select); coding-DNA position 6359, T replaced by C.
Protein change: p.Ile2120Thr; replaces isoleucine 2120 with threonine.
Molecular consequence: missense variant.
Genome position (GRCh38, 1-based): chr15:44,570,643, A>G on the plus strand (T>C on the coding strand, the complement: SPG11 is on the minus strand). VCF-style: chr15-44570643-A-G. GRCh37 (hg19) VCF-style: chr15-44862841-A-G.
Other names: c.6020T>C, p.Ile2007Thr (NM_001160227.2); short protein forms I2120T, I2007T.
Identifiers: ClinVar variation 951283 (VCV000951283.9), dbSNP rs1236437265, ClinGen allele CA392216479.